The following is an entry in ClinVar:

ClinVar aggregate classification (germline): Uncertain significance. Review status: criteria provided, multiple submitters, no conflicts (2 of 4 stars). 2 submissions from 2 submitters: Uncertain significance (2). Last evaluated 2025-12-04.

Conditions:
Inborn genetic diseases. Identifiers: MedGen C0950123, MeSH D030342.

gnomAD v4.1: 2 of 1,614,026 alleles (0.00012%); highest among the groups gnomAD compares: Non-Finnish European, 0.00017%; no homozygotes.

Submissions (2):

Ambry Genetics
Classification: Uncertain significance for Inborn genetic diseases. Last evaluated: 2025-12-04. Review status: criteria provided, single submitter. Criteria: Ambry Variant Classification Scheme 2023. Collection method: clinical testing. Allele origin: germline.

Labcorp Genetics (formerly Invitae), Labcorp
Classification: Uncertain significance. Last evaluated: 2024-07-25. Review status: criteria provided, single submitter. Criteria: Invitae Variant Classification Sherloc (09022015). Collection method: clinical testing. Allele origin: germline.
Comment: This sequence change replaces threonine, which is neutral and polar, with alanine, which is neutral and non-polar, at codon 511 of the UNC45A protein (p.Thr511Ala). This variant is not present in population databases (gnomAD no frequency). This variant has not been reported in the literature in individuals affected with UNC45A-related conditions. Advanced modeling of protein sequence and biophysical properties (such as structural, functional, and spatial information, amino acid conservation, physicochemical variation, residue mobility, and thermodynamic stability) performed at Invitae indicates that this missense variant is not expected to disrupt UNC45A protein function with a negative predictive value of 80%. In summary, the available evidence is currently insufficient to determine the role of this variant in disease. Therefore, it has been classified as a Variant of Uncertain Significance.

NM_018671.5(UNC45A):c.1531A>G (p.Thr511Ala)

Gene: UNC45A (unc-45 myosin chaperone A; plus strand). Cytogenetic location: 15q26.1.
Variant type: single nucleotide variant.
Coding change: c.1531A>G on transcript NM_018671.5 (MANE Select); coding-DNA position 1531, A replaced by G.
Protein change: p.Thr511Ala; replaces threonine 511 with alanine.
Molecular consequence: missense variant.
Genome position (GRCh38, 1-based): chr15:90,947,826, A>G. VCF-style: chr15-90947826-A-G. GRCh37 (hg19) VCF-style: chr15-91491056-A-G.
Other names: c.1531A>G (NM_018671.3); c.1486A>G, p.Thr496Ala (NM_001039675.2, NM_001323621.2); c.1531A>G, p.Thr511Ala (NM_001323619.1); c.1096A>G, p.Thr366Ala (NM_001323620.2); short protein forms T366A, T511A, T496A.
Identifiers: ClinVar variation 3673616 (VCV003673616.3).